The following is an entry in ClinVar:

ClinVar aggregate classification (germline): Benign (1 of 4 stars; one submission).

Conditions:
Renal carnitine transport defect (CDSP). Also called: CARNITINE DEFICIENCY, SYSTEMIC, DUE TO DEFECT IN RENAL REABSORPTION OF CARNITINE; CARNITINE TRANSPORTER, PLASMA-MEMBRANE, DEFICIENCY OF; CARNITINE UPTAKE DEFECT; Primary carnitine deficiency; Systemic primary carnitine deficiency; Carnitine transporter deficiency. Identifiers: Orphanet 158, MedGen C0342788, MONDO:0008919, OMIM 212140.

Allele frequency attached by ClinVar (database versions not stated): gnomAD 0.07424 and 0.07651; TOPMed 0.07464; 1000 Genomes Project 30x 0.11118; 1000 Genomes Project 0.11821.

Submission:

Illumina Laboratory Services, Illumina
Classification: Benign for Renal carnitine transport defect. Last evaluated: 2018-01-13. Review status: criteria provided, single submitter. Criteria: ICSL Variant Classification Criteria 13 December 2019. Collection method: clinical testing. Allele origin: germline.
Comment: This variant was observed in the ICSL laboratory as part of a predisposition screen in an ostensibly healthy population. It had not been previously curated by ICSL or reported in the Human Gene Mutation Database (HGMD: prior to June 1st, 2018), and was therefore a candidate for classification through an automated scoring system. Utilizing variant allele frequency, disease prevalence and penetrance estimates, and inheritance mode, an automated score was calculated to assess if this variant is too frequent to cause the disease. Based on the score and internal cut-off values, a variant classified as benign is not then subjected to further curation. The score for this variant resulted in a classification of benign for this disease.

NM_003060.4(SLC22A5):c.-139G>T

Genes: MIR3936HG (MIR3936 host gene; minus strand), SLC22A5 (solute carrier family 22 member 5; plus strand), LOC129994569 (ATAC-STARR-seq lymphoblastoid silent region 16317; plus strand). Cytogenetic location: 5q31.1.
Variant type: single nucleotide variant.
Coding change: c.-139G>T on transcript NM_003060.4 (MANE Select); 139 bases upstream of the start codon, G replaced by T.
Molecular consequence: 5 prime UTR variant.
Genome position (GRCh38, 1-based): chr5:132,369,834, G>T. VCF-style: chr5-132369834-G-T. GRCh37 (hg19) VCF-style: chr5-131705526-G-T.
Other names: c.-139G>T (NM_001308122.2).
Identifiers: ClinVar variation 350807 (VCV000350807.5), dbSNP rs13180169, ClinGen allele CA10622510.
Genomic context (GRCh38, chr5:132,369,834, plus strand): 5'-CCTGGTCGTGCGCCCTATGTAAGGCCAGCCGCGGCAGGACCAAGGCGGCGGTGTCAGCTC[G>T]CGAGCCTACCCTCCGCGGACGGTCTTGGGTCGCCTGCTGCCTGGCTTGCCTGGTCGGCGG-3'